The following is an entry in ClinVar:

ClinVar aggregate classification (germline): Conflicting classifications of pathogenicity. Review status: criteria provided, conflicting classifications (1 of 4 stars). 4 submissions from 4 submitters: Uncertain significance (3); Likely benign (1). Last evaluated 2022-08-09.

Conditions:
Fanconi anemia complementation group E (FANCE). Also called: FANCE-Related Fanconi Anemia. Identifiers: Orphanet 84, MedGen C3160739, MONDO:0010953, OMIM 600901.
Inborn genetic diseases. Identifiers: MedGen C0950123, MeSH D030342.

Allele frequency attached by ClinVar (database versions not stated): gnomAD 0.00003 and 0.00005; TOPMed 0.00006; gnomAD exomes 0.00008; 1000 Genomes Project 30x 0.00016; 1000 Genomes Project 0.00020.
gnomAD v4.1: 130 of 1,614,128 alleles (0.0081%); highest among the groups gnomAD compares: South Asian, 0.081%; no homozygotes.

Submissions (4):

Labcorp Genetics (formerly Invitae), Labcorp
Classification: Uncertain significance for Fanconi anemia complementation group E. Last evaluated: 2022-08-09. Review status: criteria provided, single submitter. Criteria: Invitae Variant Classification Sherloc (09022015). Collection method: clinical testing. Allele origin: germline.
Comment: This sequence change replaces threonine, which is neutral and polar, with isoleucine, which is neutral and non-polar, at codon 450 of the FANCE protein (p.Thr450Ile). This variant is present in population databases (rs201970876, gnomAD 0.1%). This variant has not been reported in the literature in individuals affected with FANCE-related conditions. ClinVar contains an entry for this variant (Variation ID: 845507). Algorithms developed to predict the effect of missense changes on protein structure and function output the following: SIFT: "Tolerated"; PolyPhen-2: "Possibly Damaging"; Align-GVGD: "Class C0". The isoleucine amino acid residue is found in multiple mammalian species, which suggests that this missense change does not adversely affect protein function. In summary, the available evidence is currently insufficient to determine the role of this variant in disease. Therefore, it has been classified as a Variant of Uncertain Significance.

Ambry Genetics
Classification: Likely benign for Inborn genetic diseases. Last evaluated: 2021-10-06. Review status: criteria provided, single submitter. Criteria: Ambry Variant Classification Scheme 2023. Collection method: clinical testing. Allele origin: germline.

Fulgent Genetics
Classification: Uncertain significance for Fanconi anemia complementation group E. Last evaluated: 2021-09-07. Review status: criteria provided, single submitter. Criteria: ACMG Guidelines, 2015. Collection method: clinical testing. Allele origin: unknown.

Genetic Services Laboratory, University of Chicago
Classification: Uncertain significance. Last evaluated: 2019-12-13. Review status: criteria provided, single submitter. Criteria: ACMG Guidelines, 2015. Collection method: clinical testing. Allele origin: germline. Affected: no.
Comment: DNA sequence analysis of the FANCE gene demonstrated a sequence change, c.1349C>T, in exon 8 that results in an amino acid change, p.Thr450Ile. This sequence change does not appear to have been previously described in patients with FANCE-related disorders and has been described in the gnomAD database with a low population frequency of 0.098% in South East Asian subpopulation (rs201970876). The p.Thr450Ile change affects a moderately conserved amino acid residue located in a domain of the FANCE protein that is known to be functional. In-silico pathogenicity prediction tools (SIFT, PolyPhen2, Align GVGD, REVEL) provide contradictory results for the p.Thr450Ile substitution. Due to these contrasting evidences and the lack of functional studies, the clinical significance of the p.Thr450Ile change remains unknown at this time.

NM_021922.3(FANCE):c.1349C>T (p.Thr450Ile)

Gene: FANCE (FA complementation group E; plus strand). Cytogenetic location: 6p21.31.
Variant type: single nucleotide variant.
Coding change: c.1349C>T on transcript NM_021922.3 (MANE Select); coding-DNA position 1349, C replaced by T.
Protein change: p.Thr450Ile; replaces threonine 450 with isoleucine.
Molecular consequence: missense variant.
Genome position (GRCh38, 1-based): chr6:35,460,584, C>T. VCF-style: chr6-35460584-C-T. GRCh37 (hg19) VCF-style: chr6-35428361-C-T.
Other names: short protein forms T450I.
Identifiers: ClinVar variation 845507 (VCV000845507.10), dbSNP rs201970876, ClinGen allele CA3771684.